The following is an entry in ClinVar:

ClinVar aggregate classification (germline): Uncertain significance (1 of 4 stars; one submission).

Conditions:
Cohen syndrome (COH1). Also called: PEPPER SYNDROME; Cutis verticis gyrata, retinitis pigmentosa, and sensorineural deafness. Identifiers: Orphanet 193, MedGen C0265223, MONDO:0008999, OMIM 216550.

Submission:

Labcorp Genetics (formerly Invitae), Labcorp
Classification: Uncertain significance for Cohen syndrome. Last evaluated: 2026-01-19. Review status: criteria provided, single submitter. Criteria: Invitae Variant Classification Sherloc (09022015). Collection method: clinical testing. Allele origin: germline.
Comment: This sequence change replaces aspartic acid, which is acidic and polar, with valine, which is neutral and non-polar, at codon 2903 of the VPS13B protein (p.Asp2903Val). This variant is not present in population databases (gnomAD no frequency). This variant has not been reported in the literature in individuals affected with VPS13B-related conditions. ClinVar contains an entry for this variant (Variation ID: 574541). Invitae Evidence Modeling of protein sequence and biophysical properties (such as structural, functional, and spatial information, amino acid conservation, physicochemical variation, residue mobility, and thermodynamic stability) indicates that this missense variant is expected to disrupt VPS13B protein function with a positive predictive value of 80%. In summary, the available evidence is currently insufficient to determine the role of this variant in disease. Therefore, it has been classified as a Variant of Uncertain Significance.

NM_152564.5(VPS13B):c.8633A>T (p.Asp2878Val)

Gene: VPS13B (vacuolar protein sorting 13 homolog B; plus strand). Cytogenetic location: 8q22.2.
Variant type: single nucleotide variant.
Coding change: c.8633A>T on transcript NM_152564.5 (MANE Select); coding-DNA position 8633, A replaced by T.
Protein change: p.Asp2878Val; replaces aspartic acid 2878 with valine.
Molecular consequence: missense variant.
Genome position (GRCh38, 1-based): chr8:99,819,423, A>T. VCF-style: chr8-99819423-A-T. GRCh37 (hg19) VCF-style: chr8-100831651-A-T.
Other names: c.8708A>T, p.Asp2903Val (NM_017890.5); short protein forms D2878V, D2903V.
Identifiers: ClinVar variation 574541 (VCV000574541.7), dbSNP rs1563490033, ClinGen allele CA371776069.
Genomic context (GRCh38, chr8:99,819,423, plus strand): 5'-CACTTTAGAAATCTGATAATTATTCTTGGTTTTTATTTCAATTTCCTAGAGAAGAATATG[A>T]TCCTTCAGATTGTGCAGTTCCCATCTCAACATCCCTCATTAAGCAAATAGCCACTAAGGT-3'
Protein context (NP_689777.3, residues 2868-2888): HLTFQAREEY[Asp2878Val]PSDCAVPIST